The following is an entry in ClinVar:

ClinVar aggregate classification (germline): Pathogenic (1 of 4 stars; one submission).

Submission:

Labcorp Genetics (formerly Invitae), Labcorp
Classification: Pathogenic. Last evaluated: 2023-04-30. Review status: criteria provided, single submitter. Criteria: Invitae Variant Classification Sherloc (09022015). Collection method: clinical testing. Allele origin: germline.
Comment: For these reasons, this variant has been classified as Pathogenic. This variant has not been reported in the literature in individuals affected with ITGA6-related conditions. This variant is not present in population databases (gnomAD no frequency). This sequence change creates a premature translational stop signal (p.Lys297Asnfs*8) in the ITGA6 gene. It is expected to result in an absent or disrupted protein product. Loss-of-function variants in ITGA6 are known to be pathogenic (PMID: 9158140, 9185503, 9804362, 27607025).

Literature cited by the submitters: PubMed 9158140; PubMed 9185503; PubMed 9804362; PubMed 27607025.

NM_000210.4(ITGA6):c.890_891insT (p.Lys297fs)

Genes: ITGA6 (integrin subunit alpha 6; plus strand), PDK1-AS1 (PDK1 and ITGA6 antisense RNA 1; minus strand). Cytogenetic location: 2q31.1.
Variant type: Insertion.
Coding change: c.890_891insT on transcript NM_000210.4 (MANE Select); coding-DNA positions 890 to 891, T inserted.
Protein change: p.Lys297fs; shifts the reading frame from lysine 297.
Molecular consequence: frameshift variant.
Genome position: GRCh38 VCF-style: chr2-172474169-A-AT. GRCh37 (hg19) VCF-style: chr2-173338897-A-AT.
Other names: c.890_891insT, p.Lys297fs (NM_001079818.3, NM_001365529.2, NM_001365530.2); c.533_534insT, p.Lys178fs (NM_001316306.2); c.1007_1008insT, p.Lys336fs (NM_001394928.1); short protein forms K297fs, K336fs, K178fs.
Identifiers: ClinVar variation 2860683 (VCV002860683.3), dbSNP rs2468314090, ClinGen allele CA2739271647.
Genomic context (GRCh38, chr2:172,474,169, plus strand): 5'-TATCTGGTGCTCCCAGAGCCAATCACAGTGGAGCCGTGGTTTTGCTGAAGAGAGACATGA[A>AT]GTCTGCACATCTCCTCCCTGAGCACATATTCGATGGAGAAGGTCTGGCCTCTTCATTTGG-3'